The following is an entry in ClinVar:

ClinVar aggregate classification (germline): Uncertain significance (1 of 4 stars; one submission).

Conditions:
Ehlers-Danlos syndrome, classic type, 1 (EDSCL1). Also called: EHLERS-DANLOS SYNDROME, GRAVIS TYPE; EHLERS-DANLOS SYNDROME, SEVERE CLASSIC TYPE; Ehlers-Danlos syndrome, type 1; EDS I; Ehlers-Danlos Syndrome, Classic Type, COL5A1-Related. Identifiers: MedGen C0268335, MONDO:0019567, OMIM 130000.
Osteogenesis imperfecta type I (OI1). Also called: OI, TYPE I; OSTEOGENESIS IMPERFECTA TARDA; OSTEOGENESIS IMPERFECTA WITH BLUE SCLERAE; Osteogenesis imperfecta type 1; Lobstein's Disease; Lobstein disease. Identifiers: Orphanet 216796, Orphanet 666, MedGen C0023931, MONDO:0008146, OMIM 166200. Disease mechanism: loss of function.

Allele frequency attached by ClinVar (database versions not stated): gnomAD exomes below 0.00001.
gnomAD v4.1: 1 of 1,614,116 alleles (0.000062%); highest among the groups gnomAD compares: African/African-American, 0.0013%; no homozygotes.

Submission:

Labcorp Genetics (formerly Invitae), Labcorp
Classification: Uncertain significance for Osteogenesis imperfecta type I; Ehlers-Danlos syndrome, classic type, 1. Last evaluated: 2022-03-19. Review status: criteria provided, single submitter. Criteria: Invitae Variant Classification Sherloc (09022015). Collection method: clinical testing. Allele origin: germline.
Comment: In summary, the available evidence is currently insufficient to determine the role of this variant in disease. Therefore, it has been classified as a Variant of Uncertain Significance. Variants that disrupt the consensus splice site are a relatively common cause of aberrant splicing (PMID: 17576681, 9536098). Algorithms developed to predict the effect of sequence changes on RNA splicing suggest that this variant may disrupt the consensus splice site. This variant has not been reported in the literature in individuals affected with COL1A2-related conditions. This variant is not present in population databases (gnomAD no frequency). This sequence change falls in intron 37 of the COL1A2 gene. It does not directly change the encoded amino acid sequence of the COL1A2 protein. It affects a nucleotide within the consensus splice site.

Literature cited by the submitters: PubMed 17576681; PubMed 9536098.

NM_000089.4(COL1A2):c.2296-3T>G

Gene: COL1A2 (collagen type I alpha 2 chain; plus strand). Cytogenetic location: 7q21.3.
Variant type: single nucleotide variant.
Coding change: c.2296-3T>G on transcript NM_000089.4 (MANE Select); 3 bases into the intron before coding-DNA position 2296, T replaced by G.
Molecular consequence: intron variant.
Genome position (GRCh38, 1-based): chr7:94,421,006, T>G. VCF-style: chr7-94421006-T-G. GRCh37 (hg19) VCF-style: chr7-94050318-T-G.
Identifiers: ClinVar variation 1990624 (VCV001990624.4), dbSNP rs2484726463, ClinGen allele CA2580077896.